The following is an entry in ClinVar:

NM_001042492.3(NF1):c.7428del (p.Ile2478fs)

Gene: NF1 (neurofibromin 1; plus strand). Cytogenetic location: 17q11.2.
Variant type: Deletion.
Coding change: c.7428del on transcript NM_001042492.3 (MANE Select); coding-DNA position 7428, one base deleted (T; older notation c.7428delT).
Protein change: p.Ile2478fs; shifts the reading frame from isoleucine 2478.
Molecular consequence: frameshift variant.
Genome position (GRCh38, 1-based): chr17:31,350,289, T deleted. VCF-style (leftmost placement, unchanged base first): chr17-31350288-AT-A. GRCh37 (hg19) VCF-style: chr17-29677306-AT-A.
Other names: c.7365delT, p.Ile2457Phefs (NM_000267.4); short protein forms I2457fs, I2478fs.
Identifiers: ClinVar variation 2684276 (VCV002684276.1), dbSNP rs2508805997, ClinGen allele CA2697559604.

ClinVar aggregate classification (germline): Pathogenic (1 of 4 stars; one submission).

Submission:

Athena Diagnostics
Classification: Pathogenic. Last evaluated: 2022-11-12. Review status: criteria provided, single submitter. Criteria: Athena Diagnostics Criteria. Collection method: clinical testing. Allele origin: unknown.
Comment: This variant is expected to result in the loss of a functional protein. This variant has been identified in at least one individual with clinical features of NF1. This variant has not been reported in large, multi-ethnic general populations.